The following is an entry in ClinVar:

NM_022455.5(NSD1):c.5307G>A (p.Trp1769Ter)

Genes: NSD1 (nuclear receptor binding SET domain protein 1; plus strand), LOC126807619 (MED14-independent group 3 enhancer GRCh37_chr5:176696443-176697642; plus strand). Cytogenetic location: 5q35.3.
Variant type: single nucleotide variant.
Coding change: c.5307G>A on transcript NM_022455.5 (MANE Select); coding-DNA position 5307, G replaced by A.
Protein change: p.Trp1769Ter; replaces tryptophan 1769 with a stop codon.
Molecular consequence: nonsense.
Genome position (GRCh38, 1-based): chr5:177,269,605, G>A. VCF-style: chr5-177269605-G-A. GRCh37 (hg19) VCF-style: chr5-176696606-G-A.
Other names: c.4434G>A, p.Trp1478Ter (NM_001365684.2, NM_001409308.1, NM_001409309.1 and 1 more transcripts); c.5307G>A, p.Trp1769Ter (NM_001409301.1, NM_001409302.1, NM_001409303.1); c.4887G>A, p.Trp1629Ter (NM_001409304.1); c.4554G>A, p.Trp1518Ter (NM_001409305.1); c.4545G>A, p.Trp1515Ter (NM_001409306.1, NM_001409307.1); short protein forms W1478*, W1500*, W1515*, W1518*, W1629*, W1769*.
Identifiers: ClinVar variation 1708352 (VCV001708352.2), dbSNP rs2480729692, ClinGen allele CA362306625.

ClinVar aggregate classification (germline): Pathogenic (1 of 4 stars; one submission).

Submission:

Centre of Medical Genetics, University Hospital Muenster
Classification: Pathogenic. Last evaluated: 2021-03-02. Review status: criteria provided, single submitter. Criteria: ACMG Guidelines, 2015. Collection method: clinical testing. Allele origin: de novo. Affected: yes. Observed: 1 variant allele, 1 heterozygote.
Comment: ACMG categories: PVS1,PS2,PM2,PP3